The following is an entry in ClinVar:

NM_005462.5(MAGEC1):c.1345T>C (p.Ser449Pro)

Gene: MAGEC1 (MAGE family member C1; plus strand). Cytogenetic location: Xq27.2.
Variant type: single nucleotide variant.
Coding change: c.1345T>C on transcript NM_005462.5 (MANE Select); coding-DNA position 1345, T replaced by C.
Protein change: p.Ser449Pro; replaces serine 449 with proline.
Molecular consequence: missense variant.
Genome position (GRCh38, 1-based): chrX:141,906,749, T>C. VCF-style: chrX-141906749-T-C. GRCh37 (hg19) VCF-style: chrX-140994535-T-C.
Other names: short protein forms S449P.
Identifiers: ClinVar variation 4083634 (VCV004083634.8).

ClinVar aggregate classification (germline): Likely benign (1 of 4 stars; one submission).

gnomAD v4.1: 6 of 1,194,866 alleles (0.0005%); highest among the groups gnomAD compares: Non-Finnish European, 0.00056%; no homozygotes.

Submission:

CeGaT Center for Human Genetics Tuebingen
Classification: Likely benign. Last evaluated: 2026-08-01. Review status: criteria provided, single submitter. Criteria: CeGaT Center For Human Genetics Tuebingen Variant Classification Criteria Version 2. Collection method: clinical testing. Allele origin: germline. Affected: yes. Observed: 3 variant alleles.
Comment: MAGEC1: BP4, BS2